The following is an entry in ClinVar:

NM_001256545.2(MEGF10):c.2852C>G (p.Thr951Arg)

Gene: MEGF10 (multiple EGF like domains 10; plus strand). Cytogenetic location: 5q23.2.
Variant type: single nucleotide variant.
Coding change: c.2852C>G on transcript NM_001256545.2 (MANE Select); coding-DNA position 2852, C replaced by G.
Protein change: p.Thr951Arg; replaces threonine 951 with arginine.
Molecular consequence: missense variant.
Genome position (GRCh38, 1-based): chr5:127,447,680, C>G. VCF-style: chr5-127447680-C-G. GRCh37 (hg19) VCF-style: chr5-126783372-C-G.
Other names: c.2852C>G, p.Thr951Arg (NM_032446.3); short protein forms T951R.
Identifiers: ClinVar variation 650969 (VCV000650969.9), dbSNP rs755639288, ClinGen allele CA3392031.

ClinVar aggregate classification (germline): Uncertain significance (1 of 4 stars; one submission).

Conditions:
MEGF10-related myopathy (CMYO10A). Also called: Congenital myopathy 10A, severe variant. Identifiers: Orphanet 439212, MedGen C3280679, MONDO:0013731, OMIM 614399.

gnomAD v4.1: 29 of 1,613,794 alleles (0.0018%); highest among the groups gnomAD compares: South Asian, 0.025%; no homozygotes.

Submission:

Labcorp Genetics (formerly Invitae), Labcorp
Classification: Uncertain significance for MEGF10-related myopathy. Last evaluated: 2022-07-06. Review status: criteria provided, single submitter. Criteria: Invitae Variant Classification Sherloc (09022015). Collection method: clinical testing. Allele origin: germline.
Comment: In summary, the available evidence is currently insufficient to determine the role of this variant in disease. Therefore, it has been classified as a Variant of Uncertain Significance. Algorithms developed to predict the effect of missense changes on protein structure and function are either unavailable or do not agree on the potential impact of this missense change (SIFT: "Deleterious"; PolyPhen-2: "Benign"; Align-GVGD: "Class C0"). ClinVar contains an entry for this variant (Variation ID: 650969). This variant has not been reported in the literature in individuals affected with MEGF10-related conditions. This variant is present in population databases (rs755639288, gnomAD 0.03%). This sequence change replaces threonine, which is neutral and polar, with arginine, which is basic and polar, at codon 951 of the MEGF10 protein (p.Thr951Arg).